The following is an entry in ClinVar:

ClinVar aggregate classification (germline): Conflicting classifications of pathogenicity. Review status: criteria provided, conflicting classifications (1 of 4 stars). 2 submissions from 2 submitters: Likely pathogenic (1); Uncertain significance (1). Last evaluated 2022-12-02.

Conditions:
Developmental and epileptic encephalopathy, 46 (DEE46). Also called: GRIN2D-Related Developmental and Epileptic Encephalopathy; Epileptic encephalopathy, early infantile, 46. Identifiers: MedGen C4310687, MONDO:0014947, OMIM 617162.

Submissions (2):

GeneDx
Classification: Uncertain significance. Last evaluated: 2022-12-02. Review status: criteria provided, single submitter. Criteria: GeneDx Variant Classification Process June 2021. Collection method: clinical testing. Allele origin: germline. Affected: yes.
Comment: Not observed at significant frequency in large population cohorts (gnomAD); In silico analysis supports that this missense variant has a deleterious effect on protein structure/function; This variant is associated with the following publications: (PMID: 32860008)

CENTOGENE GmbH and LLC - Guiding Precision Medicine
Classification: Likely pathogenic for Developmental and epileptic encephalopathy, 46. Review status: criteria provided, single submitter. Criteria: ACMG Guidelines, 2015. Collection method: clinical testing. Allele origin: de novo. Affected: yes.

Literature cited by the submitters: PubMed 32860008 (cited by CENTOGENE GmbH and LLC - Guiding Precision Medicine).

NM_000836.4(GRIN2D):c.1724C>T (p.Ser575Leu)

Gene: GRIN2D (glutamate ionotropic receptor NMDA type subunit 2D; plus strand). Cytogenetic location: 19q13.33.
Variant type: single nucleotide variant.
Coding change: c.1724C>T on transcript NM_000836.4 (MANE Select); coding-DNA position 1724, C replaced by T.
Protein change: p.Ser575Leu; replaces serine 575 with leucine.
Molecular consequence: missense variant.
Genome position (GRCh38, 1-based): chr19:48,416,144, C>T. VCF-style: chr19-48416144-C-T. GRCh37 (hg19) VCF-style: chr19-48919401-C-T.
Other names: short protein forms S575L.
Identifiers: ClinVar variation 974877 (VCV000974877.2), dbSNP rs1970945661, ClinGen allele CA406696996.